The following is an entry in ClinVar:

NM_005477.3(HCN4):c.179C>G (p.Ala60Gly)

Gene: HCN4 (hyperpolarization activated cyclic nucleotide gated potassium channel 4; minus strand). Cytogenetic location: 15q24.1.
Variant type: single nucleotide variant.
Coding change: c.179C>G on transcript NM_005477.3 (MANE Select); coding-DNA position 179, C replaced by G.
Protein change: p.Ala60Gly; replaces alanine 60 with glycine.
Molecular consequence: missense variant.
Genome position (GRCh38, 1-based): chr15:73,368,092, G>C on the plus strand (C>G on the coding strand, the complement: HCN4 is on the minus strand). VCF-style: chr15-73368092-G-C. GRCh37 (hg19) VCF-style: chr15-73660433-G-C.
Other names: short protein forms A60G.
Identifiers: ClinVar variation 4802406 (VCV004802406.1).

ClinVar aggregate classification (germline): Uncertain significance (1 of 4 stars; one submission).

Conditions:
Brugada syndrome 8 (BRGDA8). Identifiers: Orphanet 130, MedGen C2751083, MONDO:0013148, OMIM 613123.

Submission:

Labcorp Genetics (formerly Invitae), Labcorp
Classification: Uncertain significance for Brugada syndrome 8. Last evaluated: 2025-08-02. Review status: criteria provided, single submitter. Criteria: Invitae Variant Classification Sherloc (09022015). Collection method: clinical testing. Allele origin: germline.
Comment: This sequence change replaces alanine, which is neutral and non-polar, with glycine, which is neutral and non-polar, at codon 60 of the HCN4 protein (p.Ala60Gly). This variant is not present in population databases (gnomAD no frequency). This variant has not been reported in the literature in individuals affected with HCN4-related conditions. Invitae Evidence Modeling of protein sequence and biophysical properties (such as structural, functional, and spatial information, amino acid conservation, physicochemical variation, residue mobility, and thermodynamic stability) indicates that this missense variant is not expected to disrupt HCN4 protein function with a negative predictive value of 95%. In summary, the available evidence is currently insufficient to determine the role of this variant in disease. Therefore, it has been classified as a Variant of Uncertain Significance.